The following is an entry in ClinVar:

ClinVar aggregate classification (germline): Conflicting classifications of pathogenicity. Review status: criteria provided, conflicting classifications (1 of 4 stars). 2 submissions from 2 submitters: Uncertain significance (1); Likely benign (1). Last evaluated 2026-04-13.

Conditions:
Cardiovascular phenotype. Identifiers: MedGen CN230736.

Submissions (2):

Women's Health and Genetics/Laboratory Corporation of America, LabCorp
Classification: Uncertain significance. Last evaluated: 2026-04-13. Review status: criteria provided, single submitter. Criteria: LabCorp Variant Classification Summary - May 2015. Collection method: clinical testing. Allele origin: germline.
Comment: Variant summary: TNXB c.10038C>T (p.Thr3346Thr) alters a conserved nucleotide located close to a canonical splice site and therefore could affect mRNA splicing, leading to a significantly altered protein sequence. Consensus agreement among computation tools predict no significant impact on normal splicing. However, these predictions have yet to be confirmed by functional studies. The variant allele was found at a frequency of 1.8e-05 in 169038 control chromosomes. The available data on variant occurrences in the general population are insufficient to allow any conclusion about variant significance. To our knowledge, no occurrence of c.10038C>T in individuals affected with TNXB-related conditions and no experimental evidence demonstrating its impact on protein function have been reported. No submitters have cited clinical-significance assessments for this variant to ClinVar. Based on the evidence outlined above, the variant was classified as uncertain significance.

Ambry Genetics
Classification: Likely benign for Cardiovascular phenotype. Last evaluated: 2026-01-21. Review status: criteria provided, single submitter. Criteria: Ambry Variant Classification Scheme 2023. Collection method: clinical testing. Allele origin: germline.

NM_001365276.2(TNXB):c.10044C>T (p.Thr3348=)

Gene: TNXB (tenascin XB; minus strand). Cytogenetic location: 6p21.33.
Variant type: single nucleotide variant.
Coding change: c.10044C>T on transcript NM_001365276.2 (MANE Select); coding-DNA position 10044, C replaced by T.
Protein change: p.Thr3348=; no amino-acid change (threonine 3348 retained).
Molecular consequence: synonymous variant.
Genome position (GRCh38, 1-based): chr6:32,048,364, G>A on the plus strand (C>T on the coding strand, the complement: TNXB is on the minus strand). VCF-style: chr6-32048364-G-A. GRCh37 (hg19) VCF-style: chr6-32016141-G-A.
Other names: c.10785C>T, p.Thr3595= (NM_001428335.1); c.10038C>T, p.Thr3346= (NM_019105.8).
Identifiers: ClinVar variation 4824398 (VCV004824398.2).
Genomic context (GRCh38, chr6:32,048,364, plus strand): 5'-AACAGGTGCCACAAGGGGGCGAAGGCTCTGGCCGCGGGAGGCCTCCAGCCCTCACTCACC[G>A]GTCCTGGCCTCCACAGGGACTGGGCCGTGGCGTTTCCCATTCTGGAGTCCAAAGAGCAGG-3'
Protein context (NP_001352205.1, residues 3338-3358): RHGPVPVEAR[Thr3348=]APDTKPSPRL